The following is an entry in ClinVar:

ClinVar aggregate classification (germline): Uncertain significance. Review status: criteria provided, single submitter (1 of 4 stars). 2 submissions from 2 submitters: Uncertain significance (1). 1 of the submissions does not count toward it. Last evaluated 2024-05-16.

Conditions:
Bartter disease type 4B. Also called: Bartter syndrome, type 4b, digenic; BARTTER SYNDROME, TYPE 4B; BARTTER SYNDROME, TYPE 4B, NEONATAL, WITH SENSORINEURAL DEAFNESS. Identifiers: Orphanet 112, MedGen C4310805, MONDO:0000909, OMIM 613090.
Bartter disease type 3. Also called: Bartter syndrome type 3. Identifiers: Orphanet 112, Orphanet 93605, MedGen C1846343, MONDO:0011822, OMIM 607364.

Allele frequency attached by ClinVar (database versions not stated): gnomAD 0.00001 and 0.00002; gnomAD exomes 0.00002 and 0.00005; TOPMed 0.00002; ExAC 0.00011.

Submissions (2):

Fulgent Genetics
Classification: Uncertain significance for Bartter disease type 3; Bartter disease type 4B. Last evaluated: 2024-05-16. Review status: criteria provided, single submitter. Criteria: ACMG Guidelines, 2015. Collection method: clinical testing. Allele origin: germline.

Martin Pollak Laboratory,  Beth Israel Deaconess Medical Center
Classification: Uncertain significance. Review status: no assertion criteria provided. Collection method: not provided. Allele origin: unknown. Not counted in ClinVar's aggregate classification.
Comment: Higher UCa2+ group
ClinVar note: Converted during submission from unknown to Uncertain significance.

NM_000085.5(CLCNKB):c.23G>A (p.Arg8His)

Gene: CLCNKB (chloride voltage-gated channel Kb; plus strand). Cytogenetic location: 1p36.13.
Variant type: single nucleotide variant.
Coding change: c.23G>A on transcript NM_000085.5 (MANE Select); coding-DNA position 23, G replaced by A.
Protein change: p.Arg8His; replaces arginine 8 with histidine.
Molecular consequence: missense variant.
Genome position (GRCh38, 1-based): chr1:16,044,515, G>A. VCF-style: chr1-16044515-G-A. GRCh37 (hg19) VCF-style: chr1-16371010-G-A.
Other names: short protein forms R8H.
Identifiers: ClinVar variation 64380 (VCV000064380.4), dbSNP rs387907411, ClinGen allele CA216012.